The following is an entry in ClinVar:

ClinVar aggregate classification (germline): Benign/Likely benign. Review status: criteria provided, multiple submitters, no conflicts (2 of 4 stars). 3 submissions from 3 submitters: Benign (1); Likely benign (2). Last evaluated 2026-07-17.

Conditions:
Hereditary cancer-predisposing syndrome. Also called: Hereditary neoplastic syndrome; Neoplastic Syndromes, Hereditary; Tumor predisposition; Hereditary Cancer Syndrome. Identifiers: Orphanet 140162, MedGen C0027672, MeSH D009386, MONDO:0015356.
Rhabdoid tumor predisposition syndrome 2 (RTPS2). Identifiers: Orphanet 231108, Orphanet 69077, MedGen C2750074, MONDO:0013224, OMIM 613325.

Allele frequency attached by ClinVar (database versions not stated): gnomAD exomes 0.00001; TOPMed 0.00001.
gnomAD v4.1: 4 of 1,612,818 alleles (0.00025%); highest among the groups gnomAD compares: South Asian, 0.0011%; no homozygotes.

Submissions (3):

Myriad Genetics, Inc.
Classification: Benign for Rhabdoid tumor predisposition syndrome 2. Last evaluated: 2026-07-17. Review status: criteria provided, single submitter. Criteria: Myriad Autosomal Dominant, Autosomal Recessive and X-Linked Classification Criteria (2023). Collection method: clinical testing. Allele origin: unknown.
Comment: This variant is considered benign. This variant is a silent/synonymous amino acid change and it is not expected to impact splicing.

Labcorp Genetics (formerly Invitae), Labcorp
Classification: Likely benign for Rhabdoid tumor predisposition syndrome 2. Last evaluated: 2025-12-19. Review status: criteria provided, single submitter. Criteria: Invitae Variant Classification Sherloc (09022015). Collection method: clinical testing. Allele origin: germline.

Ambry Genetics
Classification: Likely benign for Hereditary cancer-predisposing syndrome. Last evaluated: 2018-12-29. Review status: criteria provided, single submitter. Criteria: Ambry Variant Classification Scheme 2023. Collection method: clinical testing. Allele origin: germline.

NM_003072.5(SMARCA4):c.4069C>T (p.Leu1357=)

Gene: SMARCA4 (SWI/SNF related BAF chromatin remodeling complex subunit ATPase 4; plus strand). Cytogenetic location: 19p13.2.
Variant type: single nucleotide variant.
Coding change: c.4069C>T on transcript NM_003072.5 (MANE Select); coding-DNA position 4069, C replaced by T.
Protein change: p.Leu1357=; no amino-acid change (leucine 1357 retained).
Molecular consequence: synonymous variant. On other transcripts: non-coding transcript variant (1).
Genome position (GRCh38, 1-based): chr19:11,035,031, C>T. VCF-style: chr19-11035031-C-T. GRCh37 (hg19) VCF-style: chr19-11145707-C-T.
Other names: c.4069C>T, p.Leu1357= (NM_001128844.3, NM_001128849.3); c.3970C>T, p.Leu1324= (NM_001128845.2, NM_001128846.2, NM_001128847.4 and 2 more transcripts).
Identifiers: ClinVar variation 745397 (VCV000745397.16), dbSNP rs1348783929, ClinGen allele CA505493395.
Genomic context (GRCh38, chr19:11,035,031, plus strand): 5'-CTCATGGAGGAGGACGAGCTCCCCTCGTGGATCATCAAGGACGACGCGGAGGTGGAGCGG[C>T]TGACCTGTGAGGAGGAGGAGGAGAAGATGTTCGGCCGTGGCTCCCGCCACCGCAAGGAGG-3'
Protein context (NP_003063.2, residues 1347-1367): IIKDDAEVER[Leu1357=]TCEEEEEKMF